The following is an entry in ClinVar:

ClinVar aggregate classification (germline): Likely benign. Review status: criteria provided, multiple submitters, no conflicts (2 of 4 stars). 3 submissions from 3 submitters: Likely benign (2). 1 of the submissions does not count toward it. Last evaluated 2025-09-08.

Conditions:
PIEZO1-related disorder. Also called: PIEZO1-related condition; PIEZO1-Related Disorders.

gnomAD v4.1: 228 of 1,459,522 alleles (0.016%); highest among the groups gnomAD compares: Non-Finnish European, 0.021%; no homozygotes.

Submissions (3):

Mayo Clinic Laboratories, Mayo Clinic
Classification: Likely benign. Last evaluated: 2025-09-08. Review status: criteria provided, single submitter. Criteria: ACMG Guidelines, 2015. Collection method: clinical testing. Allele origin: germline. Observed: 2 variant alleles.
Comment: BP4, BP7

Labcorp Genetics (formerly Invitae), Labcorp
Classification: Likely benign. Last evaluated: 2025-06-19. Review status: criteria provided, single submitter. Criteria: Invitae Variant Classification Sherloc (09022015). Collection method: clinical testing. Allele origin: germline.

PreventionGenetics, part of Exact Sciences
Classification: Likely benign for PIEZO1-related condition. Last evaluated: 2020-12-14. Review status: no assertion criteria provided. Collection method: clinical testing. Allele origin: germline. Not counted in ClinVar's aggregate classification.
Comment: This variant is classified as likely benign based on ACMG/AMP sequence variant interpretation guidelines (Richards et al. 2015 PMID: 25741868, with internal and published modifications).

NM_001142864.4(PIEZO1):c.3969-8C>G

Gene: PIEZO1 (piezo type mechanosensitive ion channel component 1 (Er blood group); minus strand). Cytogenetic location: 16q24.3.
Variant type: single nucleotide variant.
Coding change: c.3969-8C>G on transcript NM_001142864.4 (MANE Select); 8 bases into the intron before coding-DNA position 3969, C replaced by G.
Molecular consequence: intron variant.
Genome position (GRCh38, 1-based): chr16:88,725,692, G>C on the plus strand (C>G on the coding strand, the complement: PIEZO1 is on the minus strand). VCF-style: chr16-88725692-G-C. GRCh37 (hg19) VCF-style: chr16-88792100-G-C.
Other names: p.?; c.3969-8C>G (NM_001142864.3).
Identifiers: ClinVar variation 2683394 (VCV002683394.6), dbSNP rs570418653, ClinGen allele CA286413009.